The following is an entry in ClinVar:

NM_001848.3(COL6A1):c.2434+5G>T

Gene: COL6A1 (collagen type VI alpha 1 chain; plus strand). Cytogenetic location: 21q22.3.
Variant type: single nucleotide variant.
Coding change: c.2434+5G>T on transcript NM_001848.3 (MANE Select); 5 bases into the intron after coding-DNA position 2434, G replaced by T.
Molecular consequence: intron variant.
Genome position (GRCh38, 1-based): chr21:46,002,715, G>T. VCF-style: chr21-46002715-G-T. GRCh37 (hg19) VCF-style: chr21-47422629-G-T.
Identifiers: ClinVar variation 451227 (VCV000451227.6), dbSNP rs1360722232, ClinGen allele CA638497738.
Genomic context (GRCh38, chr21:46,002,715, plus strand): 5'-TGCAGAGCTGCTGGAGGATGCCTTCCTGAAGAATGTCACCGCCCAGATCTGCATAGGTGC[G>T]CATGGGGCCACCCGGGCAGTCCCAGATCTGCGTAGGTGCGCGCGGGGCCGCCCGGGCAGT-3'

ClinVar aggregate classification (germline): Uncertain significance. Review status: criteria provided, multiple submitters, no conflicts (2 of 4 stars). 3 submissions from 3 submitters: Uncertain significance (3). Last evaluated 2025-02-06.

Conditions:
Bethlem myopathy 1A. Also called: Bethlem myopathy 1; Bethlem Muscular Dystrophy; MYOPATHY, BENIGN CONGENITAL, WITH CONTRACTURES. Identifiers: Orphanet 610, MedGen CN029274, MONDO:0024530, OMIM 158810.

Allele frequency attached by ClinVar (database versions not stated): TOPMed 0.00001.
gnomAD v4.1: 11 of 1,611,018 alleles (0.00068%); highest among the groups gnomAD compares: Admixed American, 0.012%; no homozygotes.

Submissions (3):

Labcorp Genetics (formerly Invitae), Labcorp
Classification: Uncertain significance for Bethlem myopathy 1A. Last evaluated: 2025-02-06. Review status: criteria provided, single submitter. Criteria: Invitae Variant Classification Sherloc (09022015). Collection method: clinical testing. Allele origin: germline.
Comment: This sequence change falls in intron 33 of the COL6A1 gene. It does not directly change the encoded amino acid sequence of the COL6A1 protein. It affects a nucleotide within the consensus splice site. This variant is present in population databases (no rsID available, gnomAD 0.009%). This variant has not been reported in the literature in individuals affected with COL6A1-related conditions. ClinVar contains an entry for this variant (Variation ID: 451227). Variants that disrupt the consensus splice site are a relatively common cause of aberrant splicing (PMID: 17576681, 9536098). Algorithms developed to predict the effect of sequence changes on RNA splicing suggest that this variant may disrupt the consensus splice site. In summary, the available evidence is currently insufficient to determine the role of this variant in disease. Therefore, it has been classified as a Variant of Uncertain Significance.

Blueprint Genetics
Classification: Uncertain significance. Last evaluated: 2024-10-23. Review status: criteria provided, single submitter. Criteria: ACMG Guidelines, 2015. Collection method: clinical testing. Allele origin: germline.

GeneDx
Classification: Uncertain significance. Last evaluated: 2017-08-03. Review status: criteria provided, single submitter. Criteria: GeneDx Variant Classification (06012015). Collection method: clinical testing. Allele origin: germline. Affected: yes.
Comment: A variant of uncertain significance has been identified in the COL6A1 gene. The c.2434+5 G>T variant has not been published as a pathogenic variant, nor has it been reported as a benign variant to our knowledge. The c.2434+5 G>T variant is not observed in large population cohorts (Lek et al., 2016; 1000 Genomes Consortium et al., 2015; Exome Variant Server). Several in-silico splice prediction models predict that c.2434+5 G>T may destroy the natural splice donor site in intron 33 and lead to abnormal gene splicing. However, in the absence of RNA/functional studies, the actual effect of this sequence change in this individual is unknown. Therefore, based on the currently available information, it is unclear whether this variant is a pathogenic variant or a rare benign variant.

Literature cited by the submitters: PubMed 17576681 (cited by Labcorp Genetics (formerly Invitae), Labcorp); PubMed 9536098 (cited by Labcorp Genetics (formerly Invitae), Labcorp).